The following is an entry in ClinVar:

ClinVar aggregate classification (germline): Uncertain significance. Review status: criteria provided, multiple submitters, no conflicts (2 of 4 stars). 2 submissions from 2 submitters: Uncertain significance (2). Last evaluated 2026-06-21.

Conditions:
Cardiovascular phenotype. Identifiers: MedGen CN230736.

Allele frequency attached by ClinVar (database versions not stated): TOPMed below 0.00001.

Submissions (2):

Ambry Genetics
Classification: Uncertain significance for Cardiovascular phenotype. Last evaluated: 2026-06-21. Review status: criteria provided, single submitter. Criteria: Ambry Variant Classification Scheme 2023. Collection method: clinical testing. Allele origin: germline.
Comment: The p.G507D variant (also known as c.1520G>A), located in coding exon 13 of the RAF1 gene, results from a G to A substitution at nucleotide position 1520. The glycine at codon 507 is replaced by aspartic acid, an amino acid with similar properties. This amino acid position is conserved. In addition, this alteration is predicted to be deleterious by in silico analysis. Based on the available evidence, the clinical significance of this variant remains unclear.

AiLife Diagnostics
Classification: Uncertain significance. Last evaluated: 2021-07-22. Review status: criteria provided, single submitter. Criteria: ACMG Guidelines, 2015. Collection method: clinical testing. Allele origin: germline. Affected: yes. Observed: 1 variant allele.

NM_002880.4(RAF1):c.1520G>A (p.Gly507Asp)

Gene: RAF1 (Raf-1 proto-oncogene, serine/threonine kinase; minus strand). Cytogenetic location: 3p25.2.
Variant type: single nucleotide variant.
Coding change: c.1520G>A on transcript NM_002880.4 (MANE Select); coding-DNA position 1520, G replaced by A.
Protein change: p.Gly507Asp; replaces glycine 507 with aspartic acid.
Molecular consequence: missense variant. On other transcripts: non-coding transcript variant (3).
Genome position (GRCh38, 1-based): chr3:12,585,697, C>T on the plus strand (G>A on the coding strand, the complement: RAF1 is on the minus strand). VCF-style: chr3-12585697-C-T. GRCh37 (hg19) VCF-style: chr3-12627196-C-T.
Other names: c.1520G>A (NM_002880.3); c.1580G>A, p.Gly527Asp (NM_001354689.3); c.1520G>A, p.Gly507Asp (NM_001354690.3); c.1277G>A, p.Gly426Asp (NM_001354691.3, NM_001354692.3); c.1421G>A, p.Gly474Asp (NM_001354693.3); c.1337G>A, p.Gly446Asp (NM_001354694.3); c.1178G>A, p.Gly393Asp (NM_001354695.3); short protein forms G393D, G426D, G446D, G474D, G507D, G527D.
Identifiers: ClinVar variation 1677391 (VCV001677391.2), dbSNP rs2058312255, ClinGen allele CA351498842.
Genomic context (GRCh38, chr3:12,585,697, plus strand): 5'-TTTGCCCTATACCAGAGACTGCTGGTGGGAGCCCAGATTCTCACCATCCAGAGGACAGAG[C>T]CAGTAGGTTGTTCAACCTGCTGAGAACCACTCCAGCGTGACTTTACTGTTGCCAAACCAA-3'
Protein context (NP_002871.1, residues 497-517): SGSQQVEQPT[Gly507Asp]SVLWMAPEVI